The following is an entry in ClinVar:

ClinVar aggregate classification (germline): Benign/Likely benign. Review status: criteria provided, multiple submitters, no conflicts (2 of 4 stars). 4 submissions from 4 submitters: Benign (2); Likely benign (2). Last evaluated 2025-07-01.

Allele frequency attached by ClinVar (database versions not stated): TOPMed 0.00029; gnomAD exomes 0.00003; ExAC 0.00007; gnomAD 0.00016 and 0.00017; 1000 Genomes Project 30x 0.00021; 1000 Genomes Project 0.00026; ESP Exome Variant Server 0.00028.
gnomAD v4.1: 52 of 1,209,238 alleles (0.0043%); highest among the groups gnomAD compares: African/African-American, 0.077%; no homozygotes.

Submissions (4):

CeGaT Center for Human Genetics Tuebingen
Classification: Likely benign. Last evaluated: 2025-07-01. Review status: criteria provided, single submitter. Criteria: CeGaT Center For Human Genetics Tuebingen Variant Classification Criteria Version 2. Collection method: clinical testing. Allele origin: germline. Affected: yes. Observed: 1 variant allele.
Comment: FGD1: BP4, BP7, BS2

Labcorp Genetics (formerly Invitae), Labcorp
Classification: Benign. Last evaluated: 2025-04-17. Review status: criteria provided, single submitter. Criteria: Invitae Variant Classification Sherloc (09022015). Collection method: clinical testing. Allele origin: germline.

Blueprint Genetics
Classification: Likely benign. Last evaluated: 2024-11-01. Review status: criteria provided, single submitter. Criteria: ACMG Guidelines, 2015. Collection method: clinical testing. Allele origin: germline.

Athena Diagnostics
Classification: Benign. Last evaluated: 2019-06-25. Review status: criteria provided, single submitter. Criteria: Athena Diagnostics Criteria. Collection method: clinical testing. Allele origin: germline.

NM_004463.3(FGD1):c.1440G>C (p.Leu480=)

Gene: FGD1 (FYVE, RhoGEF and PH domain containing 1; minus strand). Cytogenetic location: Xp11.22.
Variant type: single nucleotide variant.
Coding change: c.1440G>C on transcript NM_004463.3 (MANE Select); coding-DNA position 1440, G replaced by C.
Protein change: p.Leu480=; no amino-acid change (leucine 480 retained).
Molecular consequence: synonymous variant.
Genome position (GRCh38, 1-based): chrX:54,465,753, C>G on the plus strand (G>C on the coding strand, the complement: FGD1 is on the minus strand). VCF-style: chrX-54465753-C-G. GRCh37 (hg19) VCF-style: chrX-54492186-C-G.
Identifiers: ClinVar variation 804800 (VCV000804800.13), dbSNP rs200637558, ClinGen allele CA10425101.
Genomic context (GRCh38, chrX:54,465,753, plus strand): 5'-TACCTGCACCTCATGGATGATGACTTTAAACTGGGTGGAGCGCTCTGTCCAGGTGTTGAC[C>G]AGCTCCACGGCCCGGTCAAAGTTCTTCACATACTCACCATACATCTTGAGGAAGGGGGCC-3'
Protein context (NP_004454.2, residues 470-490): YVKNFDRAVE[Leu480=]VNTWTERSTQ